The following is an entry in ClinVar:

ClinVar aggregate classification (germline): Uncertain significance (1 of 4 stars; one submission).

Conditions:
Glycogen storage disease type III (GSD3). Also called: Cori disease; FORBES DISEASE. Identifiers: Orphanet 366, MedGen C0017922, MONDO:0009291, OMIM 232400.

Submission:

Labcorp Genetics (formerly Invitae), Labcorp
Classification: Uncertain significance for Glycogen storage disease type III. Last evaluated: 2022-07-22. Review status: criteria provided, single submitter. Criteria: Invitae Variant Classification Sherloc (09022015). Collection method: clinical testing. Allele origin: germline.
Comment: This sequence change falls in intron 16 of the AGL gene. It does not directly change the encoded amino acid sequence of the AGL protein. It affects a nucleotide within the consensus splice site. This variant is not present in population databases (gnomAD no frequency). This variant has not been reported in the literature in individuals affected with AGL-related conditions. Variants that disrupt the consensus splice site are a relatively common cause of aberrant splicing (PMID: 17576681, 9536098). Algorithms developed to predict the effect of sequence changes on RNA splicing suggest that this variant is not likely to affect RNA splicing. In summary, the available evidence is currently insufficient to determine the role of this variant in disease. Therefore, it has been classified as a Variant of Uncertain Significance.

Literature cited by the submitters: PubMed 17576681; PubMed 9536098.

NM_000642.3(AGL):c.2158-3C>A

Gene: AGL (amylo-alpha-1,6-glucosidase and 4-alpha-glucanotransferase; plus strand). Cytogenetic location: 1p21.2.
Variant type: single nucleotide variant.
Coding change: c.2158-3C>A on transcript NM_000642.3 (MANE Select); 3 bases into the intron before coding-DNA position 2158, C replaced by A.
Molecular consequence: intron variant.
Genome position (GRCh38, 1-based): chr1:99,881,538, C>A. VCF-style: chr1-99881538-C-A. GRCh37 (hg19) VCF-style: chr1-100347094-C-A.
Other names: c.2158-3C>A (NM_000643.3, NM_000644.3, NM_001425326.1 and 2 more transcripts); c.2110-3C>A (NM_000646.3); c.1957-3C>A (NM_001425327.1); c.1954-3C>A (NM_001425328.1, NM_001425329.1); c.1780-3C>A (NM_001425332.1).
Identifiers: ClinVar variation 1897879 (VCV001897879.2), dbSNP rs1400304172, ClinGen allele CA2574444619.